The following is an entry in ClinVar:

NM_000038.6(APC):c.5485A>C (p.Asn1829His)

Gene: APC (APC regulator of Wnt signaling pathway; plus strand). Cytogenetic location: 5q22.2.
Variant type: single nucleotide variant.
Coding change: c.5485A>C on transcript NM_000038.6 (MANE Select); coding-DNA position 5485, A replaced by C.
Protein change: p.Asn1829His; replaces asparagine 1829 with histidine.
Molecular consequence: missense variant.
Genome position (GRCh38, 1-based): chr5:112,841,079, A>C. VCF-style: chr5-112841079-A-C. GRCh37 (hg19) VCF-style: chr5-112176776-A-C.
Other names: c.5485A>C, p.Asn1829His (NM_001127510.3, NM_001354895.2); c.5431A>C, p.Asn1811His (NM_001127511.3); c.5539A>C, p.Asn1847His (NM_001354896.2); c.5515A>C, p.Asn1839His (NM_001354897.2); c.5410A>C, p.Asn1804His (NM_001354898.2); c.5401A>C, p.Asn1801His (NM_001354899.2); c.5362A>C, p.Asn1788His (NM_001354900.2); c.5308A>C, p.Asn1770His (NM_001354901.2); and 5 more; short protein forms N1546H, N1669H, N1703H, N1728H, N1738H, N1770H, N1788H, N1801H.
Identifiers: ClinVar variation 1054016 (VCV001054016.13), dbSNP rs761812531, ClinGen allele CA16033331.

ClinVar aggregate classification (germline): Uncertain significance. Review status: criteria provided, multiple submitters, no conflicts (2 of 4 stars). 4 submissions from 4 submitters: Uncertain significance (4). Last evaluated 2024-02-22.

Conditions:
Classic or attenuated familial adenomatous polyposis. Identifiers: MedGen CN372698, MONDO:0021057.
Hereditary cancer-predisposing syndrome. Also called: Hereditary Cancer Syndrome; Tumor predisposition; Hereditary neoplastic syndrome; Neoplastic Syndromes, Hereditary. Identifiers: Orphanet 140162, MedGen C0027672, MeSH D009386, MONDO:0015356.
Familial adenomatous polyposis 1 (FAP1). Also called: FAMILIAL ADENOMATOUS POLYPOSIS 1, ATTENUATED; POLYPOSIS, ADENOMATOUS INTESTINAL. Identifiers: MedGen C2713442, MONDO:0021056, OMIM 175100. Disease mechanism: loss of function.

gnomAD v4.1: 1 of 1,613,026 alleles (0.000062%); highest among the groups gnomAD compares: Non-Finnish European, 0.000085%; no homozygotes.

Submissions (4):

All of Us Research Program, National Institutes of Health
Classification: Uncertain significance for Classic or attenuated familial adenomatous polyposis. Last evaluated: 2024-02-22. Review status: criteria provided, single submitter. Criteria: ACMG Guidelines, 2015. Collection method: clinical testing. Allele origin: germline. Inheritance: Autosomal dominant inheritance. Observed: 1 variant allele, 1 heterozygote.
Comment: This missense variant replaces asparagine with histidine at codon 1829 of the APC protein. Computational prediction suggests that this variant may not impact protein structure and function (internally defined REVEL score threshold <= 0.5, PMID: 27666373). To our knowledge, functional studies have not been reported for this variant. This variant has not been reported in individuals affected with APC-related disorders in the literature. This variant has not been identified in the general population by the Genome Aggregation Database (gnomAD). The available evidence is insufficient to determine the role of this variant in disease conclusively. Therefore, this variant is classified as a Variant of Uncertain Significance.

This study involves interpretation of variants in research participants for the purpose of population health screening. Participant phenotype was not available at the time of variant classification. Additional details can be found in publication PMID: 35346344, PMCID: PMC8962531

Color Diagnostics, LLC DBA Color Health
Classification: Uncertain significance for Hereditary cancer-predisposing syndrome. Last evaluated: 2024-01-29. Review status: criteria provided, single submitter. Criteria: ACMG Guidelines, 2015. Collection method: clinical testing. Allele origin: germline.
Comment: This missense variant replaces asparagine with histidine at codon 1829 of the APC protein. Computational prediction suggests that this variant may not impact protein structure and function. To our knowledge, functional studies have not been reported for this variant. This variant has not been reported in individuals affected with APC-related disorders in the literature. This variant has not been identified in the general population by the Genome Aggregation Database (gnomAD). The available evidence is insufficient to determine the role of this variant in disease conclusively. Therefore, this variant is classified as a Variant of Uncertain Significance.

Ambry Genetics
Classification: Uncertain significance for Hereditary cancer-predisposing syndrome. Last evaluated: 2022-05-17. Review status: criteria provided, single submitter. Criteria: Ambry Variant Classification Scheme 2023. Collection method: clinical testing. Allele origin: germline.
Comment: The p.N1829H variant (also known as c.5485A>C), located in coding exon 15 of the APC gene, results from an A to C substitution at nucleotide position 5485. The asparagine at codon 1829 is replaced by histidine, an amino acid with similar properties. This amino acid position is conserved. In addition, in silico predictors for this gene do not accurately predict pathogenicity. Since supporting evidence is limited at this time, the clinical significance of this alteration remains unclear.

Labcorp Genetics (formerly Invitae), Labcorp
Classification: Uncertain significance for Familial adenomatous polyposis 1. Last evaluated: 2020-08-23. Review status: criteria provided, single submitter. Criteria: Invitae Variant Classification Sherloc (09022015). Collection method: clinical testing. Allele origin: germline.
Comment: This sequence change replaces asparagine with histidine at codon 1829 of the APC protein (p.Asn1829His). The asparagine residue is highly conserved and there is a small physicochemical difference between asparagine and histidine. This variant is not present in population databases (ExAC no frequency). In summary, the available evidence is currently insufficient to determine the role of this variant in disease. Therefore, it has been classified as a Variant of Uncertain Significance. Algorithms developed to predict the effect of missense changes on protein structure and function are either unavailable or do not agree on the potential impact of this missense change (SIFT: "Tolerated"; PolyPhen-2: "Possibly Damaging"; Align-GVGD: "Class C0"). This variant has not been reported in the literature in individuals with APC-related conditions.